The following is an entry in ClinVar:

NM_001386298.1(CIC):c.3497A>T (p.Lys1166Met)

Gene: CIC (capicua transcriptional repressor; plus strand). Cytogenetic location: 19q13.2.
Variant type: single nucleotide variant.
Coding change: c.3497A>T on transcript NM_001386298.1 (MANE Select); coding-DNA position 3497, A replaced by T.
Protein change: p.Lys1166Met; replaces lysine 1166 with methionine.
Molecular consequence: missense variant.
Genome position (GRCh38, 1-based): chr19:42,287,814, A>T. VCF-style: chr19-42287814-A-T. GRCh37 (hg19) VCF-style: chr19-42791966-A-T.
Other names: c.3497A>T, p.Lys1166Met (NM_001304815.2, NM_001379480.1, NM_001379482.1); c.770A>T, p.Lys257Met (NM_001379484.1, NM_001379485.1, NM_015125.5); short protein forms K1166M, K257M.
Identifiers: ClinVar variation 3349041 (VCV003349041.1).

ClinVar aggregate classification (germline): Likely pathogenic (0 of 4 stars; one submission).

Conditions:
CIC-related disorder. Also called: CIC-related condition.

Submission:

PreventionGenetics, part of Exact Sciences
Classification: Likely pathogenic for CIC-related condition. Last evaluated: 2024-04-05. Review status: no assertion criteria provided. Collection method: clinical testing. Allele origin: germline.
Comment: The CIC c.770A>T variant is predicted to result in the amino acid substitution p.Lys257Met. To our knowledge, this variant has not been reported in the literature or in a large population database, indicating this variant is rare. This variant is interpreted as likely pathogenic.